The following is an entry in ClinVar:

NM_203447.4(DOCK8):c.1307G>A (p.Arg436Gln)

Gene: DOCK8 (dedicator of cytokinesis 8; plus strand). Cytogenetic location: 9p24.3.
Variant type: single nucleotide variant.
Coding change: c.1307G>A on transcript NM_203447.4 (MANE Select); coding-DNA position 1307, G replaced by A.
Protein change: p.Arg436Gln; replaces arginine 436 with glutamine.
Molecular consequence: missense variant.
Genome position (GRCh38, 1-based): chr9:336,603, G>A. VCF-style: chr9-336603-G-A. GRCh37 (hg19) VCF-style: chr9-336603-G-A.
Other names: c.1103G>A, p.Arg368Gln (NM_001190458.2, NM_001193536.2); short protein forms R368Q, R436Q.
Identifiers: ClinVar variation 665929 (VCV000665929.9), dbSNP rs373630575, ClinGen allele CA4957691.

ClinVar aggregate classification (germline): Uncertain significance (1 of 4 stars; one submission).

Conditions:
Combined immunodeficiency due to DOCK8 deficiency (HIES2). Also called: HYPER-IgE RECURRENT INFECTION SYNDROME 2, AUTOSOMAL RECESSIVE; HIES autosomal recessive; Hyper-IgE recurrent infection syndrome, autosomal recessive; DOCK8 Deficiency; HYPER-IgE SYNDROME 2, AUTOSOMAL RECESSIVE, WITH RECURRENT INFECTIONS. Identifiers: Orphanet 217390, MedGen C4722305, MONDO:0009478, OMIM 243700.

Allele frequency attached by ClinVar (database versions not stated): gnomAD 0.00002; gnomAD exomes 0.00002 and 0.00003; TOPMed 0.00002; ExAC 0.00005; ESP Exome Variant Server 0.00008.
gnomAD v4.1: 25 of 1,614,062 alleles (0.0015%); highest among the groups gnomAD compares: African/African-American, 0.0053%; no homozygotes.

Submission:

Labcorp Genetics (formerly Invitae), Labcorp
Classification: Uncertain significance for Combined immunodeficiency due to DOCK8 deficiency. Last evaluated: 2022-03-07. Review status: criteria provided, single submitter. Criteria: Invitae Variant Classification Sherloc (09022015). Collection method: clinical testing. Allele origin: germline.
Comment: In summary, the available evidence is currently insufficient to determine the role of this variant in disease. Therefore, it has been classified as a Variant of Uncertain Significance. Algorithms developed to predict the effect of missense changes on protein structure and function are either unavailable or do not agree on the potential impact of this missense change (SIFT: "Deleterious"; PolyPhen-2: "Benign"; Align-GVGD: "Class C0"). ClinVar contains an entry for this variant (Variation ID: 665929). This variant has not been reported in the literature in individuals affected with DOCK8-related conditions. This variant is present in population databases (rs373630575, gnomAD 0.02%). This sequence change replaces arginine, which is basic and polar, with glutamine, which is neutral and polar, at codon 436 of the DOCK8 protein (p.Arg436Gln).